The following is an entry in ClinVar:

NM_001080414.4(CCDC88C):c.3050_3054dup (p.His1019fs)

Gene: CCDC88C (coiled-coil and HOOK domain protein 88C; minus strand). Cytogenetic location: 14q32.11.
Variant type: Duplication.
Coding change: c.3050_3054dup on transcript NM_001080414.4 (MANE Select); coding-DNA positions 3050 to 3054, 5 bases duplicated (GGCAG; older notation c.3050_3054dupGGCAG).
Protein change: p.His1019fs; shifts the reading frame from histidine 1019.
Molecular consequence: frameshift variant.
Genome position (GRCh38, 1-based): chr14:91,307,179-91,307,183, CTGCC duplicated on the plus strand (GGCAG on the coding strand, the reverse complement: CCDC88C is on the minus strand); duplicating any 5 consecutive bases within chr14:91,307,179-91,307,184 gives the same sequence; the c. name uses the placement nearest the transcript's 3' end. VCF-style (leftmost placement, unchanged base first): chr14-91307178-G-GCTGCC. GRCh37 (hg19) VCF-style: chr14-91773522-G-GCTGCC.
Other names: short protein forms H1019fs.
Identifiers: ClinVar variation 2697351 (VCV002697351.3), dbSNP rs2544366388, ClinGen allele CA2697554124.

ClinVar aggregate classification (germline): Pathogenic (1 of 4 stars; one submission).

Submission:

Labcorp Genetics (formerly Invitae), Labcorp
Classification: Pathogenic. Last evaluated: 2023-06-07. Review status: criteria provided, single submitter. Criteria: Invitae Variant Classification Sherloc (09022015). Collection method: clinical testing. Allele origin: germline.
Comment: This sequence change creates a premature translational stop signal (p.His1019Glyfs*39) in the CCDC88C gene. It is expected to result in an absent or disrupted protein product. Loss-of-function variants in CCDC88C are known to be pathogenic (PMID: 23042809, 29225145). This variant is not present in population databases (gnomAD no frequency). This variant has not been reported in the literature in individuals affected with CCDC88C-related conditions. For these reasons, this variant has been classified as Pathogenic.

Literature cited by the submitters: PubMed 23042809; PubMed 29225145.